The following is an entry in ClinVar:

ClinVar aggregate classification (germline): Uncertain significance. Review status: criteria provided, multiple submitters, no conflicts (2 of 4 stars). 2 submissions from 2 submitters: Uncertain significance (2). Last evaluated 2024-06-25.

Allele frequency attached by ClinVar (database versions not stated): gnomAD exomes below 0.00001; ExAC 0.00001.

Submissions (2):

Women's Health and Genetics/Laboratory Corporation of America, LabCorp
Classification: Uncertain significance. Last evaluated: 2024-06-25. Review status: criteria provided, single submitter. Criteria: LabCorp Variant Classification Summary - May 2015. Collection method: clinical testing. Allele origin: germline.
Comment: Variant summary: TWNK c.395G>A (p.Arg132Gln) results in a conservative amino acid change in the encoded protein sequence. Five of five in-silico tools predict a benign effect of the variant on protein function. The variant allele was found at a frequency of 4e-06 in 250556 control chromosomes. The available data on variant occurrences in the general population are insufficient to allow any conclusion about variant significance. To our knowledge, no occurrence of c.395G>A in individuals affected with Infantile Onset Spinocerebellar Ataxia and no experimental evidence demonstrating its impact on protein function have been reported. ClinVar contains an entry for this variant (Variation ID: 2131033). Based on the evidence outlined above, the variant was classified as uncertain significance.

Labcorp Genetics (formerly Invitae), Labcorp
Classification: Uncertain significance. Last evaluated: 2022-04-28. Review status: criteria provided, single submitter. Criteria: Invitae Variant Classification Sherloc (09022015). Collection method: clinical testing. Allele origin: germline.
Comment: The frequency data for this variant in the population databases is considered unreliable, as metrics indicate poor data quality at this position in the gnomAD database. This sequence change replaces arginine, which is basic and polar, with glutamine, which is neutral and polar, at codon 132 of the TWNK protein (p.Arg132Gln). This variant has not been reported in the literature in individuals affected with TWNK-related conditions. In summary, the available evidence is currently insufficient to determine the role of this variant in disease. Therefore, it has been classified as a Variant of Uncertain Significance. Advanced modeling of protein sequence and biophysical properties (such as structural, functional, and spatial information, amino acid conservation, physicochemical variation, residue mobility, and thermodynamic stability) performed at Invitae indicates that this missense variant is not expected to disrupt TWNK protein function.

NM_021830.5(TWNK):c.395G>A (p.Arg132Gln)

Gene: TWNK (twinkle mtDNA helicase; plus strand). Cytogenetic location: 10q24.31.
Variant type: single nucleotide variant.
Coding change: c.395G>A on transcript NM_021830.5 (MANE Select); coding-DNA position 395, G replaced by A.
Protein change: p.Arg132Gln; replaces arginine 132 with glutamine.
Molecular consequence: missense variant. On other transcripts: non-coding transcript variant (4), intron variant (3).
Genome position (GRCh38, 1-based): chr10:100,988,605, G>A. VCF-style: chr10-100988605-G-A. GRCh37 (hg19) VCF-style: chr10-102748362-G-A.
Other names: c.395G>A, p.Arg132Gln (NM_001163812.2); c.-120+992G>A (NM_001163814.2, NM_001163813.2); c.-58+992G>A (NM_001368275.1); short protein forms R132Q.
Identifiers: ClinVar variation 2131033 (VCV002131033.5), dbSNP rs781279648, ClinGen allele CA5653059.